The following is an entry in ClinVar:

ClinVar aggregate classification (germline): Likely benign. Review status: criteria provided, multiple submitters, no conflicts (2 of 4 stars). 3 submissions from 3 submitters: Likely benign (2). 1 of the submissions does not count toward it. Last evaluated 2025-04-23.

Conditions:
RAB3GAP1-related disorder. Also called: RAB3GAP1-related condition; RAB3GAP1-related disorders.

Allele frequency attached by ClinVar (database versions not stated): 1000 Genomes Project 0.00040; 1000 Genomes Project 30x 0.00047.
gnomAD v4.1: 129 of 1,613,640 alleles (0.008%); highest among the groups gnomAD compares: Admixed American, 0.17%; no homozygotes.

Submissions (3):

Labcorp Genetics (formerly Invitae), Labcorp
Classification: Likely benign. Last evaluated: 2025-04-23. Review status: criteria provided, single submitter. Criteria: Invitae Variant Classification Sherloc (09022015). Collection method: clinical testing. Allele origin: germline.

CeGaT Center for Human Genetics Tuebingen
Classification: Likely benign. Last evaluated: 2025-04-01. Review status: criteria provided, single submitter. Criteria: CeGaT Center For Human Genetics Tuebingen Variant Classification Criteria Version 2. Collection method: clinical testing. Allele origin: germline. Affected: yes. Observed: 2 variant alleles.
Comment: RAB3GAP1: BP4, BP7

PreventionGenetics, part of Exact Sciences
Classification: Likely benign for RAB3GAP1-related condition. Last evaluated: 2022-08-04. Review status: no assertion criteria provided. Collection method: clinical testing. Allele origin: germline. Not counted in ClinVar's aggregate classification.
Comment: This variant is classified as likely benign based on ACMG/AMP sequence variant interpretation guidelines (Richards et al. 2015 PMID: 25741868, with internal and published modifications).

NM_012233.3(RAB3GAP1):c.1743C>T (p.Ser581=)

Gene: RAB3GAP1 (RAB3 GTPase activating protein catalytic subunit 1; plus strand). Cytogenetic location: 2q21.3.
Variant type: single nucleotide variant.
Coding change: c.1743C>T on transcript NM_012233.3 (MANE Select); coding-DNA position 1743, C replaced by T.
Protein change: p.Ser581=; no amino-acid change (serine 581 retained).
Molecular consequence: synonymous variant.
Genome position (GRCh38, 1-based): chr2:135,135,752, C>T. VCF-style: chr2-135135752-C-T. GRCh37 (hg19) VCF-style: chr2-135893322-C-T.
Other names: c.1743C>T, p.Ser581= (NM_001172435.2); c.1743C>T (NM_012233.2).
Identifiers: ClinVar variation 1974903 (VCV001974903.30), dbSNP rs200166273, ClinGen allele CA1884917.
Genomic context (GRCh38, chr2:135,135,752, plus strand): 5'-AAAAGAAACAGATAAGGAAAAGGGAGAGGTAGGAAAATCTTGGGATTCCTGGAGTGACAG[C>T]GAAGAAGAATTTTTTGAATGCCTAAGTGATACTGAAGAACTTAAAGGAAATGGACAAGAG-3'
Protein context (NP_036365.1, residues 571-591): VGKSWDSWSD[Ser581=]EEEFFECLSD